The following is an entry in ClinVar:

ClinVar aggregate classification (germline): Uncertain significance (1 of 4 stars; one submission).

Submission:

Labcorp Genetics (formerly Invitae), Labcorp
Classification: Uncertain significance. Last evaluated: 2022-10-13. Review status: criteria provided, single submitter. Criteria: Invitae Variant Classification Sherloc (09022015). Collection method: clinical testing. Allele origin: germline.
Comment: In summary, the available evidence is currently insufficient to determine the role of this variant in disease. Therefore, it has been classified as a Variant of Uncertain Significance. Algorithms developed to predict the effect of missense changes on protein structure and function (SIFT, PolyPhen-2, Align-GVGD) all suggest that this variant is likely to be tolerated. This variant has not been reported in the literature in individuals affected with NUP85-related conditions. This variant is not present in population databases (gnomAD no frequency). This sequence change replaces histidine, which is basic and polar, with glutamine, which is neutral and polar, at codon 358 of the NUP85 protein (p.His358Gln).

NM_024844.5(NUP85):c.1074T>G (p.His358Gln)

Genes: NUP85 (nucleoporin 85; plus strand), LOC126862640 (CDK7 strongly-dependent group 2 enhancer GRCh37_chr17:73221550-73222749; plus strand). Cytogenetic location: 17q25.1.
Variant type: single nucleotide variant.
Coding change: c.1074T>G on transcript NM_024844.5 (MANE Select); coding-DNA position 1074, T replaced by G.
Protein change: p.His358Gln; replaces histidine 358 with glutamine.
Molecular consequence: missense variant.
Genome position (GRCh38, 1-based): chr17:75,226,137, T>G. VCF-style: chr17-75226137-T-G. GRCh37 (hg19) VCF-style: chr17-73222232-T-G.
Other names: c.936T>G, p.His312Gln (NM_001303276.2); c.939T>G, p.His313Gln (NM_001330472.2); short protein forms H312Q, H313Q, H358Q.
Identifiers: ClinVar variation 2007116 (VCV002007116.4), dbSNP rs2544866006, ClinGen allele CA400984111.
Genomic context (GRCh38, chr17:75,226,137, plus strand): 5'-TGAGAGCAGCCCAGAACCCCTGGACAACATCTTGTTGGCAGCCTTTGAGTTTGACATCCA[T>G]CAAGTAATCAAAGAGTGCAGGTAGGATCTCTCCCACCCCCCACTGTAACCATTTTTAGGT-3'
Protein context (NP_079120.1, residues 348-368): ILLAAFEFDI[His358Gln]QVIKECSIAL